The following is an entry in ClinVar:

ClinVar aggregate classification (germline): Uncertain significance (1 of 4 stars; one submission).

Allele frequency attached by ClinVar (database versions not stated): TOPMed 0.00002; gnomAD 0.00003; ExAC 0.00006; ESP Exome Variant Server 0.00008.
gnomAD v4.1: 26 of 1,611,520 alleles (0.0016%); highest among the groups gnomAD compares: East Asian, 0.011%; no homozygotes.

Submission:

Ambry Genetics
Classification: Uncertain significance. Last evaluated: 2024-01-22. Review status: criteria provided, single submitter. Criteria: Ambry Variant Classification Scheme 2023. Collection method: clinical testing. Allele origin: germline.
Comment: The c.1811G>A (p.R604Q) alteration is located in exon (coding exon ) of the SH3RF3 gene. This alteration results from a G to A substitution at nucleotide position 1811, causing the arginine (R) at amino acid position 604 to be replaced by a glutamine (Q). Based on insufficient or conflicting evidence, the clinical significance of this alteration remains unclear.

NM_001099289.3(SH3RF3):c.1811G>A (p.Arg604Gln)

Genes: RANBP2 (RAN binding protein 2; plus strand), SH3RF3 (SH3 domain containing ring finger 3; plus strand). Cytogenetic location: 2q13.
Variant type: single nucleotide variant.
Coding change: c.1811G>A on transcript NM_001099289.3 (MANE Select); coding-DNA position 1811, G replaced by A.
Protein change: p.Arg604Gln; replaces arginine 604 with glutamine.
Molecular consequence: missense variant.
Genome position (GRCh38, 1-based): chr2:109,437,129, G>A. VCF-style: chr2-109437129-G-A. GRCh37 (hg19) VCF-style: chr2-110053585-G-A.
Other names: short protein forms R604Q.
Identifiers: ClinVar variation 3161414 (VCV003161414.1), dbSNP rs373211870, ClinGen allele CA1825753.
Genomic context (GRCh38, chr2:109,437,129, plus strand): 5'-CCTCGCCCCCAACAGGCAGCTGTCTACGGCACTCAGCCCAGCCAACGGCCAGCCAAGCCC[G>A]GAGCACCATTTCAACAGGTACCTTCACAGGGGCCTCACCCTGCAGGGCATCAACAAGGGG-3'
Protein context (NP_001092759.1, residues 594-614): HSAQPTASQA[Arg604Gln]STISTAAHSA